The following is an entry in ClinVar:

NM_001614.5(ACTG1):c.920C>T (p.Pro307Leu)

Gene: ACTG1 (actin gamma 1; minus strand). Cytogenetic location: 17q25.3.
Variant type: single nucleotide variant.
Coding change: c.920C>T on transcript NM_001614.5 (MANE Select); coding-DNA position 920, C replaced by T.
Protein change: p.Pro307Leu; replaces proline 307 with leucine.
Molecular consequence: missense variant. On other transcripts: non-coding transcript variant (1).
Genome position (GRCh38, 1-based): chr17:81,510,991, G>A on the plus strand (C>T on the coding strand, the complement: ACTG1 is on the minus strand). VCF-style: chr17-81510991-G-A. GRCh37 (hg19) VCF-style: chr17-79478017-G-A.
Other names: c.920C>T (NM_001614.3); c.920C>T, p.Pro307Leu (NM_001199954.3); short protein forms P307L.
Identifiers: ClinVar variation 1299965 (VCV001299965.3), dbSNP rs782354322, ClinGen allele CA8835903.

ClinVar aggregate classification (germline): Uncertain significance. Review status: criteria provided, single submitter (1 of 4 stars). 3 submissions from 3 submitters: Uncertain significance (1). 2 of the submissions do not count toward it. Last evaluated 2022-11-17.

Allele frequency attached by ClinVar (database versions not stated): gnomAD exomes below 0.00001; TOPMed below 0.00001; ExAC 0.00001; gnomAD 0.00001.

Submissions (3):

GeneDx
Classification: Uncertain significance. Last evaluated: 2022-11-17. Review status: criteria provided, single submitter. Criteria: GeneDx Variant Classification Process June 2021. Collection method: clinical testing. Allele origin: germline. Affected: yes.
Comment: In silico analysis supports that this missense variant has a deleterious effect on protein structure/function; Missense variants in this gene are often considered pathogenic (HGMD); Has not been previously published as pathogenic or benign to our knowledge

Clinical Genetics DNA and cytogenetics Diagnostics Lab, Erasmus MC, Erasmus Medical Center
Classification: Uncertain significance. Review status: no assertion criteria provided. Collection method: clinical testing. Allele origin: germline. Affected: yes. Study: VKGL Data-share Consensus. Not counted in ClinVar's aggregate classification.

Joint Genome Diagnostic Labs from Nijmegen and Maastricht, Radboudumc and MUMC+
Classification: Uncertain significance. Review status: no assertion criteria provided. Collection method: clinical testing. Allele origin: germline. Affected: yes. Study: VKGL Data-share Consensus. Not counted in ClinVar's aggregate classification.